The following is an entry in ClinVar:

NM_014845.6(FIG4):c.2232C>T (p.Ser744=)

Gene: FIG4 (FIG4 phosphoinositide 5-phosphatase; plus strand). Cytogenetic location: 6q21.
Variant type: single nucleotide variant.
Coding change: c.2232C>T on transcript NM_014845.6 (MANE Select); coding-DNA position 2232, C replaced by T.
Protein change: p.Ser744=; no amino-acid change (serine 744 retained).
Molecular consequence: synonymous variant.
Genome position (GRCh38, 1-based): chr6:109,791,427, C>T. VCF-style: chr6-109791427-C-T. GRCh37 (hg19) VCF-style: chr6-110112630-C-T.
Identifiers: ClinVar variation 698675 (VCV000698675.35), dbSNP rs760578430, ClinGen allele CA3956329.

ClinVar aggregate classification (germline): Likely benign. Review status: criteria provided, multiple submitters, no conflicts (2 of 4 stars). 3 submissions from 3 submitters: Likely benign (2). 1 of the submissions does not count toward it. Last evaluated 2025-10-01.

Conditions:
Charcot-Marie-Tooth disease type 4. Also called: Charcot-Marie-Tooth disease, type IV; Charcot-Marie-Tooth, Type 4. Identifiers: Orphanet 64749, MedGen C4082197, MONDO:0018995.
FIG4-related disorder. Also called: FIG4-related condition; FIG4-related disorders.

Allele frequency attached by ClinVar (database versions not stated): TOPMed 0.00001; ExAC 0.00003; gnomAD 0.00003.
gnomAD v4.1: 153 of 1,613,378 alleles (0.0095%); highest among the groups gnomAD compares: Middle Eastern, 0.016%; 1 homozygote.

Submissions (3):

CeGaT Center for Human Genetics Tuebingen
Classification: Likely benign. Last evaluated: 2025-10-01. Review status: criteria provided, single submitter. Criteria: CeGaT Center For Human Genetics Tuebingen Variant Classification Criteria Version 2. Collection method: clinical testing. Allele origin: germline. Affected: yes. Observed: 2 variant alleles.
Comment: FIG4: BP4, BP7

Labcorp Genetics (formerly Invitae), Labcorp
Classification: Likely benign for Charcot-Marie-Tooth disease type 4. Last evaluated: 2025-08-13. Review status: criteria provided, single submitter. Criteria: Invitae Variant Classification Sherloc (09022015). Collection method: clinical testing. Allele origin: germline.

PreventionGenetics, part of Exact Sciences
Classification: Likely benign for FIG4-related condition. Last evaluated: 2023-05-10. Review status: no assertion criteria provided. Collection method: clinical testing. Allele origin: germline. Not counted in ClinVar's aggregate classification.
Comment: This variant is classified as likely benign based on ACMG/AMP sequence variant interpretation guidelines (Richards et al. 2015 PMID: 25741868, with internal and published modifications).